The following is an entry in ClinVar:

NM_005732.4(RAD50):c.2710G>C (p.Glu904Gln)

Gene: RAD50 (RAD50 double strand break repair protein; plus strand). Cytogenetic location: 5q31.1.
Variant type: single nucleotide variant.
Coding change: c.2710G>C on transcript NM_005732.4 (MANE Select); coding-DNA position 2710, G replaced by C.
Protein change: p.Glu904Gln; replaces glutamic acid 904 with glutamine.
Molecular consequence: missense variant.
Genome position (GRCh38, 1-based): chr5:132,604,991, G>C. VCF-style: chr5-132604991-G-C. GRCh37 (hg19) VCF-style: chr5-131940683-G-C.
Other names: short protein forms E904Q.
Identifiers: ClinVar variation 3429507 (VCV003429507.1).
Genomic context (GRCh38, chr5:132,604,991, plus strand): 5'-CGTCAGCAACTGGAGGAGCAGACTGTGGAATTATCCACTGAAGTTCAGTCTTTGTACAGA[G>C]AGATAAAGGTAAGAATATCCATACATGTTTTTTGTAAAATTATTTTAATTATTTATTTTT-3'
Protein context (NP_005723.2, residues 894-914): LSTEVQSLYR[Glu904Gln]IKDAKEQVSP

ClinVar aggregate classification (germline): Uncertain significance (1 of 4 stars; one submission).

Conditions:
Hereditary cancer-predisposing syndrome. Also called: Neoplastic Syndromes, Hereditary; Tumor predisposition; Hereditary Cancer Syndrome; Hereditary neoplastic syndrome. Identifiers: Orphanet 140162, MedGen C0027672, MeSH D009386, MONDO:0015356.

Submission:

Ambry Genetics
Classification: Uncertain significance for Hereditary cancer-predisposing syndrome. Last evaluated: 2024-10-11. Review status: criteria provided, single submitter. Criteria: Ambry Variant Classification Scheme 2023. Collection method: clinical testing. Allele origin: germline.
Comment: The p.E904Q variant (also known as c.2710G>C), located in coding exon 16 of the RAD50 gene, results from a G to C substitution at nucleotide position 2710. The glutamic acid at codon 904 is replaced by glutamine, an amino acid with highly similar properties. This amino acid position is conserved. In addition, this alteration is predicted to be tolerated by in silico analysis. Based on the available evidence, the clinical significance of this variant remains unclear.